The following is an entry in ClinVar:

NM_003921.5(BCL10):c.271A>C (p.Thr91Pro)

Gene: BCL10 (BCL10 immune signaling adaptor; minus strand). Cytogenetic location: 1p22.3.
Variant type: single nucleotide variant.
Coding change: c.271A>C on transcript NM_003921.5 (MANE Select); coding-DNA position 271, A replaced by C.
Protein change: p.Thr91Pro; replaces threonine 91 with proline.
Molecular consequence: missense variant.
Genome position (GRCh38, 1-based): chr1:85,270,693, T>G on the plus strand (A>C on the coding strand, the complement: BCL10 is on the minus strand). VCF-style: chr1-85270693-T-G. GRCh37 (hg19) VCF-style: chr1-85736376-T-G.
Other names: c.271A>C, p.Thr91Pro (NM_001320715.2); short protein forms T91P.
Identifiers: ClinVar variation 854836 (VCV000854836.1), dbSNP rs1660347523, ClinGen allele CA340951314.

ClinVar aggregate classification (germline): Uncertain significance (1 of 4 stars; one submission).

Conditions:
Immunodeficiency 37 (IMD37). Identifiers: MedGen C4015195, MONDO:0014491, OMIM 616098.

Submission:

Labcorp Genetics (formerly Invitae), Labcorp
Classification: Uncertain significance for Immunodeficiency 37. Last evaluated: 2019-05-15. Review status: criteria provided, single submitter. Criteria: Invitae Variant Classification Sherloc (09022015). Collection method: clinical testing. Allele origin: germline.
Comment: This sequence change replaces threonine with proline at codon 91 of the BCL10 protein (p.Thr91Pro). The threonine residue is highly conserved and there is a small physicochemical difference between threonine and proline. This variant is not present in population databases (ExAC no frequency). This variant has not been reported in the literature in individuals with BCL10-related conditions. Algorithms developed to predict the effect of missense changes on protein structure and function are either unavailable or do not agree on the potential impact of this missense change (SIFT: "Deleterious"; PolyPhen-2: "Probably Damaging"; Align-GVGD: "Class C0"). In summary, the available evidence is currently insufficient to determine the role of this variant in disease. Therefore, it has been classified as a Variant of Uncertain Significance.